The following is an entry in ClinVar:

NM_020987.5(ANK3):c.11090C>G (p.Ser3697Cys)

Gene: ANK3 (ankyrin 3; minus strand). Cytogenetic location: 10q21.2.
Variant type: single nucleotide variant.
Coding change: c.11090C>G on transcript NM_020987.5 (MANE Select); coding-DNA position 11090, C replaced by G.
Protein change: p.Ser3697Cys; replaces serine 3697 with cysteine.
Molecular consequence: missense variant. On other transcripts: intron variant (4).
Genome position (GRCh38, 1-based): chr10:60,069,791, G>C on the plus strand (C>G on the coding strand, the complement: ANK3 is on the minus strand). VCF-style: chr10-60069791-G-C. GRCh37 (hg19) VCF-style: chr10-61829549-G-C.
Other names: c.4388-1782C>G (NM_001204403.2); c.4409-1782C>G (NM_001204404.2); c.4406-1782C>G (NM_001320874.2); c.1808-1782C>G (NM_001149.4); short protein forms S3697C.
Identifiers: ClinVar variation 1176245 (VCV001176245.40), dbSNP rs148109897, ClinGen allele CA5511156.

ClinVar aggregate classification (germline): Conflicting classifications of pathogenicity. Review status: criteria provided, conflicting classifications (1 of 4 stars). 2 submissions from 2 submitters: Uncertain significance (1); Likely benign (1). Last evaluated 2025-01-08.

Allele frequency attached by ClinVar (database versions not stated): 1000 Genomes Project 0.00020; gnomAD 0.00024 and 0.00025; ExAC 0.00029; 1000 Genomes Project 30x 0.00031; ESP Exome Variant Server 0.00031.
gnomAD v4.1: 472 of 1,614,126 alleles (0.029%); highest among the groups gnomAD compares: Middle Eastern, 0.15%; no homozygotes.

Submissions (2):

Labcorp Genetics (formerly Invitae), Labcorp
Classification: Uncertain significance. Last evaluated: 2025-01-08. Review status: criteria provided, single submitter. Criteria: Invitae Variant Classification Sherloc (09022015). Collection method: clinical testing. Allele origin: germline.
Comment: This sequence change replaces serine, which is neutral and polar, with cysteine, which is neutral and slightly polar, at codon 3697 of the ANK3 protein (p.Ser3697Cys). This variant is present in population databases (rs148109897, gnomAD 0.05%). This variant has not been reported in the literature in individuals affected with ANK3-related conditions. ClinVar contains an entry for this variant (Variation ID: 1176245). Invitae Evidence Modeling of protein sequence and biophysical properties (such as structural, functional, and spatial information, amino acid conservation, physicochemical variation, residue mobility, and thermodynamic stability) indicates that this missense variant is not expected to disrupt ANK3 protein function with a negative predictive value of 80%. In summary, the available evidence is currently insufficient to determine the role of this variant in disease. Therefore, it has been classified as a Variant of Uncertain Significance.

CeGaT Center for Human Genetics Tuebingen
Classification: Likely benign. Last evaluated: 2021-04-01. Review status: criteria provided, single submitter. Criteria: CeGaT Center For Human Genetics Tuebingen Variant Classification Criteria Version 2. Collection method: clinical testing. Allele origin: germline. Affected: yes. Observed: 1 variant allele.